The following is an entry in ClinVar:

ClinVar aggregate classification (germline): Likely pathogenic (1 of 4 stars; one submission).

Submission:

Labcorp Genetics (formerly Invitae), Labcorp
Classification: Likely pathogenic. Last evaluated: 2025-12-03. Review status: criteria provided, single submitter. Criteria: Invitae Variant Classification Sherloc (09022015). Collection method: clinical testing. Allele origin: germline.
Comment: This sequence change replaces proline, which is neutral and non-polar, with leucine, which is neutral and non-polar, at codon 175 of the SOX10 protein (p.Pro175Leu). This variant is not present in population databases (gnomAD no frequency). This missense change has been observed in individual(s) with SOX10-related conditions (PMID: 21898658). Invitae Evidence Modeling of protein sequence and biophysical properties (such as structural, functional, and spatial information, amino acid conservation, physicochemical variation, residue mobility, and thermodynamic stability) indicates that this missense variant is expected to disrupt SOX10 protein function with a positive predictive value of 95%. Experimental studies have shown that this missense change affects SOX10 function (PMID: 21898658, 26060192). This variant disrupts the p.Pro175 amino acid residue in SOX10. Other variant(s) that disrupt this residue have been observed in individuals with SOX10-related conditions (PMID: 21898658), which suggests that this may be a clinically significant amino acid residue. In summary, the currently available evidence indicates that the variant is pathogenic, but additional data are needed to prove that conclusively. Therefore, this variant has been classified as Likely Pathogenic.

Literature cited by the submitters: PubMed 21898658; PubMed 26060192.

NM_006941.4(SOX10):c.524C>T (p.Pro175Leu)

Genes: POLR2F (RNA polymerase II, I and III subunit F; plus strand), SOX10 (SRY-box transcription factor 10; minus strand). Cytogenetic location: 22q13.1.
Variant type: single nucleotide variant.
Coding change: c.524C>T on transcript NM_006941.4 (MANE Select); coding-DNA position 524, C replaced by T.
Protein change: p.Pro175Leu; replaces proline 175 with leucine.
Molecular consequence: missense variant. On other transcripts: intron variant (3).
Genome position (GRCh38, 1-based): chr22:37,978,040, G>A on the plus strand (C>T on the coding strand, the complement: SOX10 is on the minus strand). VCF-style: chr22-37978040-G-A. GRCh37 (hg19) VCF-style: chr22-38374047-G-A.
Other names: c.*38+5730G>A (NM_001363825.1); c.294-8114G>A (NM_001301130.2); c.293+10870G>A (NM_001301131.2); short protein forms P175L.
Identifiers: ClinVar variation 4710625 (VCV004710625.1).